The following is an entry in ClinVar:

ClinVar aggregate classification (germline): Uncertain significance. Review status: criteria provided, multiple submitters, no conflicts (2 of 4 stars). 2 submissions from 2 submitters: Uncertain significance (2). Last evaluated 2025-04-18.

Conditions:
Developmental and epileptic encephalopathy, 11 (DEE11). Also called: Early infantile epileptic encephalopathy 11. Identifiers: Orphanet 1934, MedGen C3150987, MONDO:0013388, OMIM 613721.
Seizures, benign familial infantile, 3 (BFIS3). Also called: Familial neonatal seizures; CONVULSIONS, BENIGN FAMILIAL INFANTILE, 3. Identifiers: Orphanet 140927, Orphanet 306, MedGen C1843140, MONDO:0011904, OMIM 607745.

Submissions (2):

Revvity Omics, Revvity
Classification: Uncertain significance. Last evaluated: 2025-04-18. Review status: criteria provided, single submitter. Criteria: ACMG Guidelines, 2015. Collection method: clinical testing. Allele origin: germline.

Labcorp Genetics (formerly Invitae), Labcorp
Classification: Uncertain significance for Seizures, benign familial infantile, 3; Developmental and epileptic encephalopathy, 11. Last evaluated: 2022-08-09. Review status: criteria provided, single submitter. Criteria: Invitae Variant Classification Sherloc (09022015). Collection method: clinical testing. Allele origin: germline.
Comment: In summary, the available evidence is currently insufficient to determine the role of this variant in disease. Therefore, it has been classified as a Variant of Uncertain Significance. Algorithms developed to predict the effect of missense changes on protein structure and function are either unavailable or do not agree on the potential impact of this missense change (SIFT: "Deleterious"; PolyPhen-2: "Benign"; Align-GVGD: "Class C65"). ClinVar contains an entry for this variant (Variation ID: 657650). This variant has not been reported in the literature in individuals affected with SCN2A-related conditions. This variant is not present in population databases (gnomAD no frequency). This sequence change replaces aspartic acid, which is acidic and polar, with glycine, which is neutral and non-polar, at codon 1995 of the SCN2A protein (p.Asp1995Gly).

NM_001040142.2(SCN2A):c.5984A>G (p.Asp1995Gly)

Gene: SCN2A (sodium voltage-gated channel alpha subunit 2; plus strand). Cytogenetic location: 2q24.3.
Variant type: single nucleotide variant.
Coding change: c.5984A>G on transcript NM_001040142.2 (MANE Select); coding-DNA position 5984, A replaced by G.
Protein change: p.Asp1995Gly; replaces aspartic acid 1995 with glycine.
Molecular consequence: missense variant.
Genome position (GRCh38, 1-based): chr2:165,389,790, A>G. VCF-style: chr2-165389790-A-G. GRCh37 (hg19) VCF-style: chr2-166246300-A-G.
Other names: c.5984A>G, p.Asp1995Gly (NM_001040143.2, NM_001371246.1, NM_001371247.1 and 1 more transcripts); short protein forms D1995G.
Identifiers: ClinVar variation 657650 (VCV000657650.10), dbSNP rs1574754954, ClinGen allele CA349041895.